The following is an entry in ClinVar:

NM_017654.4(SAMD9):c.2206T>A (p.Tyr736Asn)

Gene: SAMD9 (sterile alpha motif domain containing 9; minus strand). Cytogenetic location: 7q21.2.
Variant type: single nucleotide variant.
Coding change: c.2206T>A on transcript NM_017654.4 (MANE Select); coding-DNA position 2206, T replaced by A.
Protein change: p.Tyr736Asn; replaces tyrosine 736 with asparagine.
Molecular consequence: missense variant.
Genome position (GRCh38, 1-based): chr7:93,103,892, A>T on the plus strand (T>A on the coding strand, the complement: SAMD9 is on the minus strand). VCF-style: chr7-93103892-A-T. GRCh37 (hg19) VCF-style: chr7-92733205-A-T.
Other names: c.2206T>A, p.Tyr736Asn (NM_001193307.2); short protein forms Y736N.
Identifiers: ClinVar variation 4824673 (VCV004824673.1).

ClinVar aggregate classification (germline): Uncertain significance (1 of 4 stars; one submission).

Conditions:
Inborn genetic diseases. Identifiers: MedGen C0950123, MeSH D030342.

Submission:

Ambry Genetics
Classification: Uncertain significance for Inborn genetic diseases. Last evaluated: 2026-01-17. Review status: criteria provided, single submitter. Criteria: Ambry Variant Classification Scheme 2023. Collection method: clinical testing. Allele origin: germline.
Comment: The p.Y736N variant (also known as c.2206T>A), located in coding exon 1 of the SAMD9 gene, results from a T to A substitution at nucleotide position 2206. The tyrosine at codon 736 is replaced by asparagine, an amino acid with dissimilar properties. This amino acid position is conserved. In addition, the in silico prediction for this alteration is inconclusive. Based on the available evidence, the clinical significance of this variant remains unclear.